The following is an entry in ClinVar:

ClinVar aggregate classification (germline): Pathogenic (1 of 4 stars; one submission).

Conditions:
Arrhythmogenic right ventricular dysplasia 9 (ARVD9). Also called: Arrhythmogenic Right Ventricular Dysplasia/Cardiomyopathy 9; ARRHYTHMOGENIC RIGHT VENTRICULAR DYSPLASIA, FAMILIAL, 9. Identifiers: MedGen C1836906, MONDO:0012180, OMIM 609040.

Submission:

Labcorp Genetics (formerly Invitae), Labcorp
Classification: Pathogenic for Arrhythmogenic right ventricular dysplasia 9. Last evaluated: 2023-06-20. Review status: criteria provided, single submitter. Criteria: Invitae Variant Classification Sherloc (09022015). Collection method: clinical testing. Allele origin: germline.
Comment: This sequence change creates a premature translational stop signal (p.Trp290*) in the PKP2 gene. It is expected to result in an absent or disrupted protein product. Loss-of-function variants in PKP2 are known to be pathogenic (PMID: 15489853, 23911551). This variant is not present in population databases (gnomAD no frequency). This premature translational stop signal has been observed in individual(s) with arrhythmogenic cardiomyopathy (PMID: 24125834, 30830208). For these reasons, this variant has been classified as Pathogenic.

Literature cited by the submitters: PubMed 15489853; PubMed 23911551; PubMed 24125834; PubMed 30830208.

NM_001005242.3(PKP2):c.870G>A (p.Trp290Ter)

Gene: PKP2 (plakophilin 2; minus strand). Cytogenetic location: 12p11.21.
Variant type: single nucleotide variant.
Coding change: c.870G>A on transcript NM_001005242.3 (MANE Select); coding-DNA position 870, G replaced by A.
Protein change: p.Trp290Ter; replaces tryptophan 290 with a stop codon.
Molecular consequence: nonsense.
Genome position (GRCh38, 1-based): chr12:32,878,010, C>T on the plus strand (G>A on the coding strand, the complement: PKP2 is on the minus strand). VCF-style: chr12-32878010-C-T. GRCh37 (hg19) VCF-style: chr12-33030944-C-T.
Other names: c.870G>A, p.Trp290Ter (NM_001407155.1, NM_001407156.1, NM_001407157.1 and 2 more transcripts); c.543G>A, p.Trp181Ter (NM_001407158.1, NM_001407159.1, NM_001407160.1 and 1 more transcripts); short protein forms W181*, W290*.
Identifiers: ClinVar variation 2735824 (VCV002735824.3), dbSNP rs2541339186, ClinGen allele CA384362132.
Genomic context (GRCh38, chr12:32,878,010, plus strand): 5'-CACGGCGACACTGGGCCCAGCTTCCCTCAGCGTGCGGGTGCTGTGGAAGGAGCTCTGATG[C>T]CAGGAGGACCTGGAAGCCCTGTTCTGAGTGACGGGCTGCAGGGGCACCAGCGGCCTGACC-3'